The following is an entry in ClinVar:

ClinVar aggregate classification (germline): Uncertain significance (1 of 4 stars; one submission).

Submission:

Labcorp Genetics (formerly Invitae), Labcorp
Classification: Uncertain significance. Last evaluated: 2022-05-25. Review status: criteria provided, single submitter. Criteria: Invitae Variant Classification Sherloc (09022015). Collection method: clinical testing. Allele origin: germline.
Comment: In summary, the available evidence is currently insufficient to determine the role of this variant in disease. Therefore, it has been classified as a Variant of Uncertain Significance. Variants that disrupt the consensus splice site are a relatively common cause of aberrant splicing (PMID: 17576681, 9536098). Algorithms developed to predict the effect of sequence changes on RNA splicing suggest that this variant is not likely to affect RNA splicing. This variant has not been reported in the literature in individuals affected with HGF-related conditions. This variant is not present in population databases (gnomAD no frequency). This sequence change falls in intron 4 of the HGF gene. It does not directly change the encoded amino acid sequence of the HGF protein. It affects a nucleotide within the consensus splice site.

Literature cited by the submitters: PubMed 17576681; PubMed 9536098.

NM_000601.6(HGF):c.482+5G>C

Gene: HGF (hepatocyte growth factor; minus strand). Cytogenetic location: 7q21.11.
Variant type: single nucleotide variant.
Coding change: c.482+5G>C on transcript NM_000601.6 (MANE Select); 5 bases into the intron after coding-DNA position 482, G replaced by C.
Molecular consequence: intron variant.
Genome position (GRCh38, 1-based): chr7:81,757,184, C>G on the plus strand (G>C on the coding strand, the complement: HGF is on the minus strand). VCF-style: chr7-81757184-C-G. GRCh37 (hg19) VCF-style: chr7-81386500-C-G.
Other names: c.482+5G>C (NM_001010932.3, NM_001010933.3, NM_001010931.3 and 1 more transcripts).
Identifiers: ClinVar variation 2066301 (VCV002066301.4), dbSNP rs1584002170, ClinGen allele CA2580077377.